The following is an entry in ClinVar:

NM_006648.4(WNK2):c.4142C>T (p.Pro1381Leu)

Gene: WNK2 (WNK lysine deficient protein kinase 2; plus strand). Cytogenetic location: 9q22.31.
Variant type: single nucleotide variant.
Coding change: c.4142C>T on transcript NM_006648.4 (MANE Select); coding-DNA position 4142, C replaced by T.
Protein change: p.Pro1381Leu; replaces proline 1381 with leucine.
Molecular consequence: missense variant.
Genome position (GRCh38, 1-based): chr9:93,288,896, C>T. VCF-style: chr9-93288896-C-T. GRCh37 (hg19) VCF-style: chr9-96051178-C-T.
Other names: c.4253C>T, p.Pro1418Leu (NM_001282394.3); short protein forms P1381L, P1418L.
Identifiers: ClinVar variation 4605284 (VCV004605284.1).

ClinVar aggregate classification (germline): Uncertain significance (1 of 4 stars; one submission).

gnomAD v4.1: 2 of 1,609,332 alleles (0.00012%); highest among the groups gnomAD compares: East Asian, 0.0022%; no homozygotes.

Submission:

Ambry Genetics
Classification: Uncertain significance. Last evaluated: 2025-10-22. Review status: criteria provided, single submitter. Criteria: Ambry Variant Classification Scheme 2023. Collection method: clinical testing. Allele origin: germline.
Comment: The p.P1381L variant (also known as c.4142C>T), located in coding exon 19 of the WNK2 gene, results from a C to T substitution at nucleotide position 4142. The proline at codon 1381 is replaced by leucine, an amino acid with similar properties. This amino acid position is conserved. In addition, this alteration is predicted to be tolerated by in silico analysis. Based on the available evidence, the clinical significance of this variant remains unclear.